The following is an entry in ClinVar:

ClinVar aggregate classification (germline): Conflicting classifications of pathogenicity. Review status: criteria provided, conflicting classifications (1 of 4 stars). 2 submissions from 2 submitters: Uncertain significance (1); Likely benign (1). Last evaluated 2024-03-21.

Conditions:
Spastic paraplegia. Identifiers: MedGen C0037772, HP:0001258.

Allele frequency attached by ClinVar (database versions not stated): gnomAD exomes below 0.00001.
gnomAD v4.1: 1 of 1,614,028 alleles (0.000062%); highest among the groups gnomAD compares: Non-Finnish European, 0.000085%; no homozygotes.

Submissions (2):

Athena Diagnostics
Classification: Uncertain significance. Last evaluated: 2024-03-21. Review status: criteria provided, single submitter. Criteria: Athena Diagnostics Criteria. Collection method: clinical testing. Allele origin: unknown.
Comment: Available data are insufficient to determine the clinical significance of the variant at this time. This variant has not been reported in large, multi-ethnic general populations. Computational tools yielded predictions that this variant is unlikely to have an effect on normal RNA splicing.

Labcorp Genetics (formerly Invitae), Labcorp
Classification: Likely benign for Spastic paraplegia. Last evaluated: 2023-06-29. Review status: criteria provided, single submitter. Criteria: Invitae Variant Classification Sherloc (09022015). Collection method: clinical testing. Allele origin: germline.

NM_014363.6(SACS):c.12618T>C (p.Ile4206=)

Gene: SACS (sacsin molecular chaperone; minus strand). Cytogenetic location: 13q12.12.
Variant type: single nucleotide variant.
Coding change: c.12618T>C on transcript NM_014363.6 (MANE Select); coding-DNA position 12618, T replaced by C.
Protein change: p.Ile4206=; no amino-acid change (isoleucine 4206 retained).
Molecular consequence: synonymous variant.
Genome position (GRCh38, 1-based): chr13:23,331,258, A>G on the plus strand (T>C on the coding strand, the complement: SACS is on the minus strand). VCF-style: chr13-23331258-A-G. GRCh37 (hg19) VCF-style: chr13-23905397-A-G.
Other names: c.12177T>C, p.Ile4059= (NM_001278055.2).
Identifiers: ClinVar variation 994932 (VCV000994932.7), dbSNP rs1883457103, ClinGen allele CA483157950.